The following is an entry in ClinVar:

ClinVar aggregate classification (germline): Likely pathogenic (1 of 4 stars; one submission).

Conditions:
Rubinstein-Taybi syndrome due to EP300 haploinsufficiency. Also called: EP300-Related Rubinstein-Taybi Syndrome; RUBINSTEIN-TAYBI SYNDROME 2. Identifiers: Orphanet 353284, Orphanet 783, MedGen C3150941, MONDO:0013364, OMIM 613684.

Submission:

Victorian Clinical Genetics Services, Murdoch Childrens Research Institute
Classification: Likely pathogenic for Rubinstein-Taybi syndrome due to EP300 haploinsufficiency. Last evaluated: 2025-03-19. Review status: criteria provided, single submitter. Criteria: ACMG Guidelines, 2015. Collection method: clinical testing. Allele origin: germline. Affected: yes.
Comment: This variant is classified as Likely pathogenic. Evidence in support of pathogenic classification: Variant is absent from gnomAD (v2, v3 and v4); Missense variant predicted to be damaging by in silico tool(s) or highly conserved with a major amino acid change; Additional information: Variant is predicted to result in a missense amino acid change from aspartic acid to glutamic acid; This variant is heterozygous; This gene is associated with autosomal dominant disease; This variant has no previous evidence of pathogenicity; No published segregation evidence has been identified for this variant; No published functional evidence has been identified for this variant; No comparable missense variants have previous evidence for pathogenicity; Variant is located in the annotated histone acetylation protein domain (DECIPHER); Loss of function is a known mechanism of disease in this gene and is associated with Rubinstein-Taybi syndrome 2 (RSTS; MIM#613684) and Menke-Hennekam syndrome 2 (MHS2; MIM#618333). Additionally, dominant negative is a suggested mechanism (PMIDs: 20301699, 24381114). Variants reported to cause RSTS are found throughout the protein, whereas the few variants reported for MHS are located in exon 31 (PMID: 29460469); Variants in this gene are known to have variable expressivity. Clinical features and developmental outcomes vary considerably between individuals with RSTS, with rare reports of pathogenic variants inherited from asymptomatic or mildly affected parents (PMID: 20301699).

Literature cited by the submitters: PubMed 29460469; PubMed 24381114; PubMed 20301699.

NM_001429.4(EP300):c.4521T>G (p.Asp1507Glu)

Gene: EP300 (EP300 lysine acetyltransferase; plus strand). Cytogenetic location: 22q13.2.
Variant type: single nucleotide variant.
Coding change: c.4521T>G on transcript NM_001429.4 (MANE Select); coding-DNA position 4521, T replaced by G.
Protein change: p.Asp1507Glu; replaces aspartic acid 1507 with glutamic acid.
Molecular consequence: missense variant.
Genome position (GRCh38, 1-based): chr22:41,172,567, T>G. VCF-style: chr22-41172567-T-G. GRCh37 (hg19) VCF-style: chr22-41568571-T-G.
Other names: c.4443T>G, p.Asp1481Glu (NM_001362843.2); short protein forms D1481E, D1507E.
Identifiers: ClinVar variation 4531854 (VCV004531854.1).
Genomic context (GRCh38, chr22:41,172,567, plus strand): 5'-TAAACAAGCTACTGAAGATAGATTAACAAGTGCAAAGGAATTGCCTTATTTCGAGGGTGA[T>G]TTCTGGCCCAATGTTCTGGAAGAAAGCATTAAGGAACTGGAACAGGAGGAAGAAGAGAGA-3'
Protein context (NP_001420.2, residues 1497-1517): SAKELPYFEG[Asp1507Glu]FWPNVLEESI